The following is an entry in ClinVar:

NM_000717.5(CA4):c.319G>A (p.Ala107Thr)

Gene: CA4 (carbonic anhydrase 4; plus strand). Cytogenetic location: 17q23.1.
Variant type: single nucleotide variant.
Coding change: c.319G>A on transcript NM_000717.5 (MANE Select); coding-DNA position 319, G replaced by A.
Protein change: p.Ala107Thr; replaces alanine 107 with threonine.
Molecular consequence: missense variant. On other transcripts: non-coding transcript variant (1).
Genome position (GRCh38, 1-based): chr17:60,157,477, G>A. VCF-style: chr17-60157477-G-A. GRCh37 (hg19) VCF-style: chr17-58234838-G-A.
Other names: c.319G>A (NM_000717.3); short protein forms A107T.
Identifiers: ClinVar variation 2098755 (VCV002098755.7), dbSNP rs2544519897, ClinGen allele CA400454727.
Genomic context (GRCh38, chr17:60,157,477, plus strand): 5'-GTGCTCCCAGTGATGATGTTGCTGGAGAACAAGGCCAGCATTTCTGGAGGAGGACTGCCT[G>A]CCCCATACCAGGCCAAACAGTTGCACCTGCACTGGTCCGACTTGCCATATAAGGGCTCGG-3'
Protein context (NP_000708.1, residues 97-117): KASISGGGLP[Ala107Thr]PYQAKQLHLH

ClinVar aggregate classification (germline): Conflicting classifications of pathogenicity. Review status: criteria provided, conflicting classifications (1 of 4 stars). 3 submissions from 3 submitters: Uncertain significance (2); Likely benign (1). Last evaluated 2023-05-30.

Allele frequency attached by ClinVar (database versions not stated): gnomAD exomes below 0.00001.
gnomAD v4.1: 4 of 1,614,156 alleles (0.00025%); highest among the groups gnomAD compares: Non-Finnish European, 0.00025%; no homozygotes.

Submissions (3):

Ambry Genetics
Classification: Likely benign. Last evaluated: 2023-05-30. Review status: criteria provided, single submitter. Criteria: Ambry Variant Classification Scheme 2023. Collection method: clinical testing. Allele origin: germline.

Labcorp Genetics (formerly Invitae), Labcorp
Classification: Uncertain significance. Last evaluated: 2022-04-01. Review status: criteria provided, single submitter. Criteria: Invitae Variant Classification Sherloc (09022015). Collection method: clinical testing. Allele origin: germline.
Comment: In summary, the available evidence is currently insufficient to determine the role of this variant in disease. Therefore, it has been classified as a Variant of Uncertain Significance. Algorithms developed to predict the effect of missense changes on protein structure and function output the following: SIFT: "Not Available"; PolyPhen-2: "Benign"; Align-GVGD: "Not Available". The threonine amino acid residue is found in multiple mammalian species, which suggests that this missense change does not adversely affect protein function. This variant has not been reported in the literature in individuals affected with CA4-related conditions. This variant is not present in population databases (gnomAD no frequency). This sequence change replaces alanine, which is neutral and non-polar, with threonine, which is neutral and polar, at codon 107 of the CA4 protein (p.Ala107Thr).

Blueprint Genetics
Classification: Uncertain significance. Last evaluated: 2021-02-26. Review status: criteria provided, single submitter. Criteria: ACMG Guidelines, 2015. Collection method: clinical testing. Allele origin: germline.